The following is an entry in ClinVar:

NM_012463.4(ATP6V0A2):c.1457C>T (p.Ser486Leu)

Gene: ATP6V0A2 (ATPase H+ transporting V0 subunit a2; plus strand). Cytogenetic location: 12q24.31.
Variant type: single nucleotide variant.
Coding change: c.1457C>T on transcript NM_012463.4 (MANE Select); coding-DNA position 1457, C replaced by T.
Protein change: p.Ser486Leu; replaces serine 486 with leucine.
Molecular consequence: missense variant.
Genome position (GRCh38, 1-based): chr12:123,744,727, C>T. VCF-style: chr12-123744727-C-T. GRCh37 (hg19) VCF-style: chr12-124229274-C-T.
Other names: short protein forms S486L.
Identifiers: ClinVar variation 390297 (VCV000390297.8), dbSNP rs201271558, ClinGen allele CA6861928.

ClinVar aggregate classification (germline): Uncertain significance. Review status: criteria provided, multiple submitters, no conflicts (2 of 4 stars). 3 submissions from 3 submitters: Uncertain significance (3). Last evaluated 2023-12-09.

Conditions:
ALG9 congenital disorder of glycosylation (CDG1L). Also called: CDG Il; CONGENITAL DISORDER OF GLYCOSYLATION, TYPE Il; ALG9-CDG. Identifiers: Orphanet 79328, MedGen C2931006, MONDO:0012117, OMIM 608776.

Allele frequency attached by ClinVar (database versions not stated): ExAC 0.00004; TOPMed 0.00006; gnomAD exomes 0.00007 and 0.00012; gnomAD 0.00009.
gnomAD v4.1: 183 of 1,613,990 alleles (0.011%); highest among the groups gnomAD compares: Non-Finnish European, 0.015%; no homozygotes.

Submissions (3):

Labcorp Genetics (formerly Invitae), Labcorp
Classification: Uncertain significance for ALG9 congenital disorder of glycosylation. Last evaluated: 2023-12-09. Review status: criteria provided, single submitter. Criteria: Invitae Variant Classification Sherloc (09022015). Collection method: clinical testing. Allele origin: germline.
Comment: This sequence change replaces serine, which is neutral and polar, with leucine, which is neutral and non-polar, at codon 486 of the ATP6V0A2 protein (p.Ser486Leu). This variant is present in population databases (rs201271558, gnomAD 0.01%). This variant has not been reported in the literature in individuals affected with ATP6V0A2-related conditions. ClinVar contains an entry for this variant (Variation ID: 390297). Advanced modeling of protein sequence and biophysical properties (such as structural, functional, and spatial information, amino acid conservation, physicochemical variation, residue mobility, and thermodynamic stability) performed at Invitae indicates that this missense variant is not expected to disrupt ATP6V0A2 protein function with a negative predictive value of 80%. In summary, the available evidence is currently insufficient to determine the role of this variant in disease. Therefore, it has been classified as a Variant of Uncertain Significance.

Revvity Omics, Revvity
Classification: Uncertain significance. Last evaluated: 2021-01-28. Review status: criteria provided, single submitter. Criteria: ACMG Guidelines, 2015. Collection method: clinical testing. Allele origin: germline.

GeneDx
Classification: Uncertain significance. Last evaluated: 2016-10-27. Review status: criteria provided, single submitter. Criteria: GeneDx Variant Classification (06012015). Collection method: clinical testing. Allele origin: germline. Affected: yes.
Comment: A variant of uncertain significance has been identified in the ATP6V0A2 gene. The S486L variant has not been published as a pathogenic variant, nor has it been reported as a benign variant to our knowledge. It was not observed in approximately 6,500 individuals of European and African American ancestry in the NHLBI Exome Sequencing Project, indicating it is not a common benign variant in these populations. The S486L variant is a non-conservative amino acid substitution, which is likely to impact secondary protein structure as these residues differ in polarity, charge, size and/or other properties. This substitution occurs at a position that is conserved in mammals. In silico analysis predicts this variant is probably damaging to the protein structure/function. However, missense variants in nearby residues have not been reported in the Human Gene Mutation Database in association with ATP6V0A2-related disorders (Stenson et al., 2014). Therefore, based on the currently available information, it is unclear whether this variant is a pathogenic variant or a rare benign variant